The following is an entry in ClinVar:

NM_000875.5(IGF1R):c.699C>T (p.Pro233=)

Gene: IGF1R (insulin like growth factor 1 receptor; plus strand). Cytogenetic location: 15q26.3.
Variant type: single nucleotide variant.
Coding change: c.699C>T on transcript NM_000875.5 (MANE Select); coding-DNA position 699, C replaced by T.
Protein change: p.Pro233=; no amino-acid change (proline 233 retained).
Molecular consequence: synonymous variant.
Genome position (GRCh38, 1-based): chr15:98,891,383, C>T. VCF-style: chr15-98891383-C-T. GRCh37 (hg19) VCF-style: chr15-99434612-C-T.
Other names: c.699C>T (NM_000875.4); c.699C>T, p.Pro233= (NM_001291858.2).
Identifiers: ClinVar variation 2645731 (VCV002645731.28), dbSNP rs17847196, ClinGen allele CA7751875.

ClinVar aggregate classification (germline): Likely benign. Review status: criteria provided, multiple submitters, no conflicts (2 of 4 stars). 3 submissions from 3 submitters: Likely benign (2). 1 of the submissions does not count toward it. Last evaluated 2024-11-12.

Conditions:
IGF1R-related disorder. Also called: IGF1R-related condition.

Allele frequency attached by ClinVar (database versions not stated): ExAC 0.00003; gnomAD 0.00003; TOPMed 0.00003; gnomAD exomes 0.00008; 1000 Genomes Project 30x 0.00016; 1000 Genomes Project 0.00020.
gnomAD v4.1: 114 of 1,612,112 alleles (0.0071%); highest among the groups gnomAD compares: East Asian, 0.18%; 2 homozygotes.

Submissions (3):

Labcorp Genetics (formerly Invitae), Labcorp
Classification: Likely benign. Last evaluated: 2024-11-12. Review status: criteria provided, single submitter. Criteria: Invitae Variant Classification Sherloc (09022015). Collection method: clinical testing. Allele origin: germline.

CeGaT Center for Human Genetics Tuebingen
Classification: Likely benign. Last evaluated: 2022-04-01. Review status: criteria provided, single submitter. Criteria: CeGaT Center For Human Genetics Tuebingen Variant Classification Criteria Version 2. Collection method: clinical testing. Allele origin: germline. Affected: yes. Observed: 1 variant allele.
Comment: IGF1R: BP4, BP7

PreventionGenetics, part of Exact Sciences
Classification: Likely benign for IGF1R-related condition. Last evaluated: 2019-04-05. Review status: no assertion criteria provided. Collection method: clinical testing. Allele origin: germline. Not counted in ClinVar's aggregate classification.
Comment: This variant is classified as likely benign based on ACMG/AMP sequence variant interpretation guidelines (Richards et al. 2015 PMID: 25741868, with internal and published modifications).